The following is an entry in ClinVar:

ClinVar aggregate classification (germline): Benign/Likely benign. Review status: criteria provided, multiple submitters, no conflicts (2 of 4 stars). 3 submissions from 3 submitters: Benign (1); Likely benign (1). 1 of the submissions does not count toward it. Last evaluated 2026-01-27.

Conditions:
Combined malonic and methylmalonic acidemia. Identifiers: Orphanet 289504, MedGen C3280314, MONDO:0013661, OMIM 614265.

Allele frequency attached by ClinVar (database versions not stated): gnomAD 0.00391 and 0.00359; TOPMed 0.00410; gnomAD exomes 0.00089; ExAC 0.00176; 1000 Genomes Project 30x 0.00250; 1000 Genomes Project 0.00260; ESP Exome Variant Server 0.00390.
gnomAD v4.1: 1,049 of 1,602,744 alleles (0.065%); highest among the groups gnomAD compares: African/African-American, 1.3%; 3 homozygotes.

Submissions (3):

Labcorp Genetics (formerly Invitae), Labcorp
Classification: Benign for Combined malonic and methylmalonic acidemia. Last evaluated: 2026-01-27. Review status: criteria provided, single submitter. Criteria: Invitae Variant Classification Sherloc (09022015). Collection method: clinical testing. Allele origin: germline.

GeneDx
Classification: Likely benign. Last evaluated: 2018-04-26. Review status: criteria provided, single submitter. Criteria: GeneDx Variant Classification (06012015). Collection method: clinical testing. Allele origin: germline. Affected: yes.
Comment: This variant is considered likely benign or benign based on one or more of the following criteria: it is a conservative change, it occurs at a poorly conserved position in the protein, it is predicted to be benign by multiple in silico algorithms, and/or has population frequency not consistent with disease.

Natera, Inc.
Classification: Benign for Combined malonic and methylmalonic aciduria. Last evaluated: 2019-10-21. Review status: no assertion criteria provided. Collection method: clinical testing. Allele origin: germline. Not counted in ClinVar's aggregate classification.

NM_001243279.3(ACSF3):c.600C>G (p.Ile200Met)

Gene: ACSF3 (acyl-CoA synthetase family member 3; plus strand). Cytogenetic location: 16q24.3.
Variant type: single nucleotide variant.
Coding change: c.600C>G on transcript NM_001243279.3 (MANE Select); coding-DNA position 600, C replaced by G.
Protein change: p.Ile200Met; replaces isoleucine 200 with methionine.
Molecular consequence: missense variant. On other transcripts: non-coding transcript variant (3), intron variant (1).
Genome position (GRCh38, 1-based): chr16:89,101,281, C>G. VCF-style: chr16-89101281-C-G. GRCh37 (hg19) VCF-style: chr16-89167689-C-G.
Other names: c.600C>G, p.Ile200Met (NM_001127214.4, NM_174917.5); c.-129-1323C>G (NM_001284316.2); short protein forms I200M.
Identifiers: ClinVar variation 676741 (VCV000676741.16), dbSNP rs147597284, ClinGen allele CA8237703.